The following is an entry in ClinVar:

NM_004055.5(CAPN5):c.570G>A (p.Thr190=)

Gene: CAPN5 (calpain 5; plus strand). Cytogenetic location: 11q13.5.
Variant type: single nucleotide variant.
Coding change: c.570G>A on transcript NM_004055.5 (MANE Select); coding-DNA position 570, G replaced by A.
Protein change: p.Thr190=; no amino-acid change (threonine 190 retained).
Molecular consequence: synonymous variant.
Genome position (GRCh38, 1-based): chr11:77,114,305, G>A. VCF-style: chr11-77114305-G-A. GRCh37 (hg19) VCF-style: chr11-76825351-G-A.
Identifiers: ClinVar variation 1506409 (VCV001506409.8), dbSNP rs781900040, ClinGen allele CA6196479.
Genomic context (GRCh38, chr11:77,114,305, plus strand): 5'-GGCAGGCTGTTACCAGGCCCTGGATGGAGGCAACACAGCAGACGCACTGGTGGACTTCAC[G>A]GGTGGTGTTTCTGAGCCCATCGACCTGACCGAGGGTGACTTTGCCAACGATGAGACTAAG-3'
Protein context (NP_004046.2, residues 180-200): GNTADALVDF[Thr190=]GGVSEPIDLT

ClinVar aggregate classification (germline): Uncertain significance (1 of 4 stars; one submission).

Allele frequency attached by ClinVar (database versions not stated): ExAC 0.00001; gnomAD exomes 0.00001; gnomAD 0.00003.
gnomAD v4.1: 19 of 1,614,066 alleles (0.0012%); highest among the groups gnomAD compares: Admixed American, 0.0017%; no homozygotes.

Submission:

Labcorp Genetics (formerly Invitae), Labcorp
Classification: Uncertain significance. Last evaluated: 2022-06-20. Review status: criteria provided, single submitter. Criteria: Invitae Variant Classification Sherloc (09022015). Collection method: clinical testing. Allele origin: germline.
Comment: This sequence change affects codon 190 of the CAPN5 mRNA. It is a 'silent' change, meaning that it does not change the encoded amino acid sequence of the CAPN5 protein. This variant is present in population databases (rs781900040, gnomAD 0.003%). In summary, the available evidence is currently insufficient to determine the role of this variant in disease. Therefore, it has been classified as a Variant of Uncertain Significance. Algorithms developed to predict the effect of sequence changes on RNA splicing suggest that this variant may create or strengthen a splice site. This variant has not been reported in the literature in individuals affected with CAPN5-related conditions.